The following is an entry in ClinVar:

ClinVar aggregate classification (germline): Uncertain significance (1 of 4 stars; one submission).

Conditions:
Inborn genetic diseases. Identifiers: MedGen C0950123, MeSH D030342.

Submission:

Ambry Genetics
Classification: Uncertain significance for Inborn genetic diseases. Last evaluated: 2025-07-28. Review status: criteria provided, single submitter. Criteria: Ambry Variant Classification Scheme 2023. Collection method: clinical testing. Allele origin: germline.
Comment: The p.P350T variant (also known as c.1048C>A), located in coding exon 9 of the CEP57 gene, results from a C to A substitution at nucleotide position 1048. The proline at codon 350 is replaced by threonine, an amino acid with highly similar properties. This amino acid position is conserved. In addition, this alteration is predicted to be tolerated by in silico analysis. Based on the available evidence, the clinical significance of this variant remains unclear.

NM_014679.5(CEP57):c.1048C>A (p.Pro350Thr)

Gene: CEP57 (centrosomal protein 57; plus strand). Cytogenetic location: 11q21.
Variant type: single nucleotide variant.
Coding change: c.1048C>A on transcript NM_014679.5 (MANE Select); coding-DNA position 1048, C replaced by A.
Protein change: p.Pro350Thr; replaces proline 350 with threonine.
Molecular consequence: missense variant.
Genome position (GRCh38, 1-based): chr11:95,827,948, C>A. VCF-style: chr11-95827948-C-A. GRCh37 (hg19) VCF-style: chr11-95561112-C-A.
Other names: c.967C>A, p.Pro323Thr (NM_001440870.1, NM_001363604.2, NM_001440869.1); c.940C>A, p.Pro314Thr (NM_001440871.1); c.931C>A, p.Pro311Thr (NM_001440872.1); c.868C>A, p.Pro290Thr (NM_001440873.1); c.862C>A, p.Pro288Thr (NM_001440874.1); c.859C>A, p.Pro287Thr (NM_001440875.1); c.853C>A, p.Pro285Thr (NM_001440876.1); c.850C>A, p.Pro284Thr (NM_001440877.1, NM_001440878.1); and 6 more; short protein forms P249T, P251T, P284T, P324T, P275T, P311T, P263T, P288T.
Identifiers: ClinVar variation 4226361 (VCV004226361.1).
Genomic context (GRCh38, chr11:95,827,948, plus strand): 5'-ATTCCTTTGGCAAAGCAAGTATCTTCACGAGGTGGTAAAAGTAAGAAGTTGTCAGTAACA[C>A]CTCCCTCCTCCAACGGTATTAATGAGGAGTTGTCAGAAGTCTTACAGACTTTACAGGATG-3'
Protein context (NP_055494.2, residues 340-360): GGKSKKLSVT[Pro350Thr]PSSNGINEEL